The following is an entry in ClinVar:

NM_001377540.1(SLMAP):c.1249T>G (p.Ser417Ala)

Gene: SLMAP (sarcolemma associated protein; plus strand). Cytogenetic location: 3p14.3.
Variant type: single nucleotide variant.
Coding change: c.1249T>G on transcript NM_001377540.1 (MANE Select); coding-DNA position 1249, T replaced by G.
Protein change: p.Ser417Ala; replaces serine 417 with alanine.
Molecular consequence: missense variant. On other transcripts: non-coding transcript variant (1), intron variant (9).
Genome position (GRCh38, 1-based): chr3:57,871,647, T>G. VCF-style: chr3-57871647-T-G. GRCh37 (hg19) VCF-style: chr3-57857374-T-G.
Other names: c.1198T>G, p.Ser400Ala (NM_001304420.3, NM_001377541.1, NM_001377542.1 and 2 more transcripts); c.1249T>G, p.Ser417Ala (NM_001377538.1, NM_001377539.1, NM_001377555.1); c.1147T>G, p.Ser383Ala (NM_001377549.1, NM_001377923.1, NM_007159.5); c.1237+6355T>G (NM_001377545.1, NM_001377922.1); c.1186+6790T>G (NM_001377552.1, NM_001377551.1, NM_001377924.1); c.1135+6931T>G (NM_001377559.1, NM_001377557.1, NM_001377925.1 and 1 more transcripts); short protein forms S400A, S383A, S417A.
Identifiers: ClinVar variation 852517 (VCV000852517.6), dbSNP rs2095481948, ClinGen allele CA353410008.
Genomic context (GRCh38, chr3:57,871,647, plus strand): 5'-CAAAGACAGCAACAAACTATATCCTTAAAGGTGTTTCTTTCTTTATTAGAGCACTTGCTT[T>G]CAAAGAGTGGCGGGGACTGCACTTTTATTCATCAATTCATAGAATGCCAGAGTGAGTACA-3'
Protein context (NP_001364469.1, residues 407-427): NGSTEKEHLL[Ser417Ala]KSGGDCTFIH

ClinVar aggregate classification (germline): Uncertain significance (1 of 4 stars; one submission).

Conditions:
Brugada syndrome. Also called: Sudden unexpected nocturnal death syndrome; Sudden unexplained nocturnal death syndrome; Sudden Unexplained Death Syndrome; Sudden Unexplained Nocturnal Death Syndrome (SUNDS). Identifiers: Orphanet 130, MedGen C1142166, MONDO:0015263.

Submission:

Labcorp Genetics (formerly Invitae), Labcorp
Classification: Uncertain significance for Brugada syndrome. Last evaluated: 2019-02-14. Review status: criteria provided, single submitter. Criteria: Invitae Variant Classification Sherloc (09022015). Collection method: clinical testing. Allele origin: germline.
Comment: This variant has not been reported in the literature in individuals with SLMAP-related conditions. This variant is not present in population databases (ExAC no frequency). This sequence change replaces serine with alanine at codon 383 of the SLMAP protein (p.Ser383Ala). The serine residue is weakly conserved and there is a moderate physicochemical difference between serine and alanine. Algorithms developed to predict the effect of missense changes on protein structure and function (SIFT, PolyPhen-2, Align-GVGD) all suggest that this variant is likely to be tolerated, but these predictions have not been confirmed by published functional studies and their clinical significance is uncertain. In summary, the available evidence is currently insufficient to determine the role of this variant in disease. Therefore, it has been classified as a Variant of Uncertain Significance.